The following is an entry in ClinVar:

ClinVar aggregate classification (germline): Benign (1 of 4 stars; one submission).

Allele frequency attached by ClinVar (database versions not stated): 1000 Genomes Project 30x 0.37695; TOPMed 0.44832; 1000 Genomes Project 0.36681.
gnomAD v4.1: 66,241 of 152,092 alleles (44%); highest among the groups gnomAD compares: African/African-American, 63%; 16,091 homozygotes.

Submission:

GeneDx
Classification: Benign. Last evaluated: 2018-06-14. Review status: criteria provided, single submitter. Criteria: GeneDx Variant Classification (06012015). Collection method: clinical testing. Allele origin: germline. Affected: yes.
Comment: This variant is considered likely benign or benign based on one or more of the following criteria: it is a conservative change, it occurs at a poorly conserved position in the protein, it is predicted to be benign by multiple in silico algorithms, and/or has population frequency not consistent with disease.

NM_001384140.1(PCDH15):c.1590+239T>C

Gene: PCDH15 (protocadherin related 15; minus strand). Cytogenetic location: 10q21.1.
Variant type: single nucleotide variant.
Coding change: c.1590+239T>C on transcript NM_001384140.1 (MANE Select); 239 bases into the intron after coding-DNA position 1590, T replaced by C.
Molecular consequence: intron variant.
Genome position (GRCh38, 1-based): chr10:54,183,205, A>G on the plus strand (T>C on the coding strand, the complement: PCDH15 is on the minus strand). VCF-style: chr10-54183205-A-G. GRCh37 (hg19) VCF-style: chr10-55942965-A-G.
Other names: c.1590+239T>C (NM_001354420.2, NM_001354429.2, NM_001142772.2 and 6 more transcripts); c.1605+239T>C (NM_001142771.2, NM_001142763.2); c.1611+239T>C (NM_001354411.2); c.1626+239T>C (NM_001142769.3); c.1524+239T>C (NM_001354404.2, NM_001142773.2, NM_001142768.2); c.1479+239T>C (NM_001142767.2).
Identifiers: ClinVar variation 678849 (VCV000678849.1), dbSNP rs10082374, ClinGen allele CA13155372.
Genomic context (GRCh38, chr10:54,183,205, plus strand): 5'-CTAATTTTGTATTTTTAGTAGAGACAGCGTTGGTCAGGCTGGTCTCGAACTCCCGACCTC[A>G]GGTGATCCACTTGCCTTGGCTTCCCAAAGTGCTGGGATTACAGGCGTGAGCCACCATGCC-3'